The following is an entry in ClinVar:

ClinVar aggregate classification (germline): Uncertain significance (1 of 4 stars; one submission).

Conditions:
Dilated cardiomyopathy 1KK (CMD1KK). Identifiers: Orphanet 154, Orphanet 75249, MedGen C3714995, MONDO:0014100, OMIM 615248.

gnomAD v4.1: 2 of 1,613,972 alleles (0.00012%); highest among the groups gnomAD compares: Non-Finnish European, 0.00017%; no homozygotes.

Submission:

Labcorp Genetics (formerly Invitae), Labcorp
Classification: Uncertain significance for Dilated cardiomyopathy 1KK. Last evaluated: 2025-10-04. Review status: criteria provided, single submitter. Criteria: Invitae Variant Classification Sherloc (09022015). Collection method: clinical testing. Allele origin: germline.
Comment: This sequence change replaces glutamic acid, which is acidic and polar, with aspartic acid, which is acidic and polar, at codon 1007 of the MYPN protein (p.Glu1007Asp). This variant is present in population databases (no rsID available, gnomAD 0.0009%). This variant has not been reported in the literature in individuals affected with MYPN-related conditions. An algorithm developed to predict the effect of missense changes on protein structure and function outputs the following: PolyPhen-2: "Benign". The aspartic acid amino acid residue is found in multiple mammalian species, which suggests that this missense change does not adversely affect protein function. In summary, the available evidence is currently insufficient to determine the role of this variant in disease. Therefore, it has been classified as a Variant of Uncertain Significance.

NM_032578.4(MYPN):c.3021A>C (p.Glu1007Asp)

Gene: MYPN (myopalladin; plus strand). Cytogenetic location: 10q21.3.
Variant type: single nucleotide variant.
Coding change: c.3021A>C on transcript NM_032578.4 (MANE Select); coding-DNA position 3021, A replaced by C.
Protein change: p.Glu1007Asp; replaces glutamic acid 1007 with aspartic acid.
Molecular consequence: missense variant. On other transcripts: non-coding transcript variant (2).
Genome position (GRCh38, 1-based): chr10:68,194,458, A>C. VCF-style: chr10-68194458-A-C. GRCh37 (hg19) VCF-style: chr10-69954215-A-C.
Other names: c.3021A>C, p.Glu1007Asp (NM_001256267.2); c.2139A>C, p.Glu713Asp (NM_001256268.2); short protein forms E1007D, E713D.
Identifiers: ClinVar variation 4727964 (VCV004727964.1).
Genomic context (GRCh38, chr10:68,194,458, plus strand): 5'-GAGAAATGAGCACTGCAAAATGAGGCGAGAAGGAGATGGGACATGCTCTCTGCACATTGA[A>C]TCCACTACCAGTGATGACGATGGCAACTACACCATCATGGCAGCCAACCCCCAGGTGGAG-3'
Protein context (NP_115967.2, residues 997-1017): EGDGTCSLHI[Glu1007Asp]STTSDDDGNY